The following is an entry in ClinVar:

ClinVar aggregate classification (germline): Uncertain significance. Review status: criteria provided, multiple submitters, no conflicts (2 of 4 stars). 2 submissions from 2 submitters: Uncertain significance (2). Last evaluated 2026-08-10.

Conditions:
POLD1-related polyposis and colorectal cancer syndrome (CRCS10). Also called: Colorectal cancer 10; Colorectal cancer, susceptibility to, 10; COLORECTAL CANCER, SUSCEPTIBILITY TO, ON CHROMOSOME 19q. Identifiers: Orphanet 220460, MedGen C2675481, MONDO:0012953, OMIM 612591.
Hereditary cancer-predisposing syndrome. Also called: Tumor predisposition; Hereditary neoplastic syndrome; Hereditary Cancer Syndrome; Neoplastic Syndromes, Hereditary. Identifiers: Orphanet 140162, MedGen C0027672, MeSH D009386, MONDO:0015356.

Submissions (2):

Ambry Genetics
Classification: Uncertain significance for Hereditary cancer-predisposing syndrome. Last evaluated: 2026-08-10. Review status: criteria provided, single submitter. Criteria: Ambry Variant Classification Scheme 2023. Collection method: clinical testing. Allele origin: germline.
Comment: The p.E579A variant (also known as c.1736A>C), located in coding exon 13 of the POLD1 gene, results from an A to C substitution at nucleotide position 1736. The glutamic acid at codon 579 is replaced by alanine, an amino acid with dissimilar properties. This amino acid position is conserved. In addition, the in silico prediction for this alteration is inconclusive. Based on the available evidence, the clinical significance of this variant remains unclear.

Labcorp Genetics (formerly Invitae), Labcorp
Classification: Uncertain significance for POLD1-related polyposis and colorectal cancer syndrome. Last evaluated: 2024-06-30. Review status: criteria provided, single submitter. Criteria: Invitae Variant Classification Sherloc (09022015). Collection method: clinical testing. Allele origin: germline.
Comment: This sequence change replaces glutamic acid, which is acidic and polar, with alanine, which is neutral and non-polar, at codon 579 of the POLD1 protein (p.Glu579Ala). This variant is not present in population databases (gnomAD no frequency). This variant has not been reported in the literature in individuals affected with POLD1-related conditions. Advanced modeling of protein sequence and biophysical properties (such as structural, functional, and spatial information, amino acid conservation, physicochemical variation, residue mobility, and thermodynamic stability) performed at Invitae indicates that this missense variant is not expected to disrupt POLD1 protein function with a negative predictive value of 80%. In summary, the available evidence is currently insufficient to determine the role of this variant in disease. Therefore, it has been classified as a Variant of Uncertain Significance.

NM_002691.4(POLD1):c.1736A>C (p.Glu579Ala)

Gene: POLD1 (DNA polymerase delta 1, catalytic subunit; plus strand). Cytogenetic location: 19q13.33.
Variant type: single nucleotide variant.
Coding change: c.1736A>C on transcript NM_002691.4 (MANE Select); coding-DNA position 1736, A replaced by C.
Protein change: p.Glu579Ala; replaces glutamic acid 579 with alanine.
Molecular consequence: missense variant. On other transcripts: non-coding transcript variant (1).
Genome position (GRCh38, 1-based): chr19:50,407,376, A>C. VCF-style: chr19-50407376-A-C. GRCh37 (hg19) VCF-style: chr19-50910633-A-C.
Other names: c.1736A>C, p.Glu579Ala (NM_001256849.1, NM_001308632.1); c.1736A>C (NM_002691.2); short protein forms E579A.
Identifiers: ClinVar variation 3695514 (VCV003695514.3).